The following is an entry in ClinVar:

NM_000243.3(MEFV):c.416C>A (p.Ala139Asp)

Gene: MEFV (MEFV innate immunity regulator, pyrin; minus strand). Cytogenetic location: 16p13.3.
Variant type: single nucleotide variant.
Coding change: c.416C>A on transcript NM_000243.3 (MANE Select); coding-DNA position 416, C replaced by A.
Protein change: p.Ala139Asp; replaces alanine 139 with aspartic acid.
Molecular consequence: missense variant. On other transcripts: intron variant (1).
Genome position (GRCh38, 1-based): chr16:3,254,652, G>T on the plus strand (C>A on the coding strand, the complement: MEFV is on the minus strand). VCF-style: chr16-3254652-G-T. GRCh37 (hg19) VCF-style: chr16-3304652-G-T.
Other names: c.277+1659C>A (NM_001198536.2); short protein forms A139D.
Identifiers: ClinVar variation 755528 (VCV000755528.16), dbSNP rs575678784, ClinGen allele CA7860430.

ClinVar aggregate classification (germline): Conflicting classifications of pathogenicity. Review status: criteria provided, conflicting classifications (1 of 4 stars). 6 submissions from 6 submitters: Uncertain significance (3); Likely benign (2). 1 of the submissions does not count toward it. Last evaluated 2025-12-08.

Conditions:
Familial Mediterranean fever (FMF). Also called: Periodic peritonitis; Benign paroxysmal peritonitis; POLYSEROSITIS, FAMILIAL PAROXYSMAL; POLYSEROSITIS, RECURRENT. Identifiers: Orphanet 342, MedGen C0031069, MONDO:0018088, OMIM 249100. Disease mechanism: gain of function.
Familial Mediterranean fever, autosomal dominant. Also called: FMF, AUTOSOMAL DOMINANT; Dominant Familial Mediterranean Fever. Identifiers: Orphanet 342, MedGen C1851347, MONDO:0007601, OMIM 134610.
Acute febrile neutrophilic dermatosis (AFND). Also called: Sweet Syndrome; Gomm Button disease. Identifiers: Orphanet 3243, MedGen C0085077, MONDO:0011959, OMIM 608068.

Allele frequency attached by ClinVar (database versions not stated): gnomAD exomes 0.00003 and 0.00026; gnomAD 0.00007; TOPMed 0.00011; 1000 Genomes Project 30x 0.00047; ExAC 0.00026; 1000 Genomes Project 0.00040.
gnomAD v4.1: 62 of 1,609,068 alleles (0.0039%); highest among the groups gnomAD compares: East Asian, 0.13%; no homozygotes.

Submissions (6):

Labcorp Genetics (formerly Invitae), Labcorp
Classification: Likely benign for Familial Mediterranean fever. Last evaluated: 2025-12-08. Review status: criteria provided, single submitter. Criteria: Invitae Variant Classification Sherloc (09022015). Collection method: clinical testing. Allele origin: germline.

Blueprint Genetics
Classification: Uncertain significance. Last evaluated: 2024-08-29. Review status: criteria provided, single submitter. Criteria: ACMG Guidelines, 2015. Collection method: clinical testing. Allele origin: germline.

ARUP Laboratories, Molecular Genetics and Genomics, ARUP Laboratories
Classification: Uncertain significance. Last evaluated: 2024-08-07. Review status: criteria provided, single submitter. Criteria: ARUP Molecular Germline Variant Investigation Process 2024. Collection method: clinical testing. Allele origin: germline.
Comment: The MEFV c.416C>A; p.Ala139Asp variant (rs575678784), to our knowledge, is not reported in the medical literature but is reported in ClinVar (Variation ID: 755528). This variant is found in the East Asian population with an allele frequency of 0.35% (67/19322 alleles, including 1 homozygotes) in the Genome Aggregation Database (v2.1.1). Computational analyses are uncertain whether this variant is neutral or deleterious (REVEL: 0.313). Due to limited information, the clinical significance of this variant is uncertain at this time.

Women's Health and Genetics/Laboratory Corporation of America, LabCorp
Classification: Uncertain significance. Last evaluated: 2022-10-28. Review status: criteria provided, single submitter. Criteria: LabCorp Variant Classification Summary - May 2015. Collection method: clinical testing. Allele origin: germline.
Comment: Variant summary: MEFV c.416C>A (p.Ala139Asp) results in a non-conservative amino acid change in the encoded protein sequence. Three of five in-silico tools predict a benign effect of the variant on protein function. The variant allele was found at a frequency of 0.00026 in 238750 control chromosomes, predominantly at a frequency of 0.0034 within the East Asian subpopulation in the gnomAD database, including 1 homozygote. This frequency is not higher than expected for a pathogenic variant in MEFV causing Familial Mediterranean Fever (0.0034 vs 0.022), allowing no conclusion about variant significance. To our knowledge, no occurrence of c.416C>A in individuals affected with Familial Mediterranean Fever and no experimental evidence demonstrating its impact on protein function have been reported. Two clinical diagnostic laboratories have submitted clinical-significance assessments for this variant to ClinVar after 2014 without evidence for independent evaluation. One laboratory classified the variant as likely benign, and one laboratory classified the variant as uncertain significance. Based on the evidence outlined above, the variant was classified as uncertain significance.

Fulgent Genetics
Classification: Likely benign for Familial Mediterranean fever, autosomal dominant; Familial Mediterranean fever; Acute febrile neutrophilic dermatosis. Last evaluated: 2021-08-16. Review status: criteria provided, single submitter. Criteria: ACMG Guidelines, 2015. Collection method: clinical testing. Allele origin: unknown.

Natera, Inc.
Classification: Uncertain significance for Familial Mediterranean fever. Last evaluated: 2020-01-24. Review status: no assertion criteria provided. Collection method: clinical testing. Allele origin: germline. Not counted in ClinVar's aggregate classification.